The following is an entry in ClinVar:

NM_001386298.1(CIC):c.3737G>A (p.Gly1246Glu)

Gene: CIC (capicua transcriptional repressor; plus strand). Cytogenetic location: 19q13.2.
Variant type: single nucleotide variant.
Coding change: c.3737G>A on transcript NM_001386298.1 (MANE Select); coding-DNA position 3737, G replaced by A.
Protein change: p.Gly1246Glu; replaces glycine 1246 with glutamic acid.
Molecular consequence: missense variant.
Genome position (GRCh38, 1-based): chr19:42,288,966, G>A. VCF-style: chr19-42288966-G-A. GRCh37 (hg19) VCF-style: chr19-42793118-G-A.
Other names: c.3737G>A, p.Gly1246Glu (NM_001304815.2, NM_001379480.1, NM_001379482.1); c.1010G>A, p.Gly337Glu (NM_001379484.1, NM_001379485.1, NM_015125.5); short protein forms G1246E, G337E.
Identifiers: ClinVar variation 451028 (VCV000451028.8), dbSNP rs1267692674, ClinGen allele CA406101658.

ClinVar aggregate classification (germline): Uncertain significance. Review status: criteria provided, multiple submitters, no conflicts (2 of 4 stars). 2 submissions from 2 submitters: Uncertain significance (2). Last evaluated 2025-11-01.

Allele frequency attached by ClinVar (database versions not stated): gnomAD 0.00001; gnomAD exomes 0.00001; TOPMed 0.00001.
gnomAD v4.1: 4 of 1,613,966 alleles (0.00025%); highest among the groups gnomAD compares: Non-Finnish European, 0.00034%; no homozygotes.

Submissions (2):

CeGaT Center for Human Genetics Tuebingen
Classification: Uncertain significance. Last evaluated: 2025-11-01. Review status: criteria provided, single submitter. Criteria: CeGaT Center For Human Genetics Tuebingen Variant Classification Criteria Version 2. Collection method: clinical testing. Allele origin: germline. Affected: yes. Observed: 1 variant allele.

GeneDx
Classification: Uncertain significance. Last evaluated: 2017-08-09. Review status: criteria provided, single submitter. Criteria: GeneDx Variant Classification (06012015). Collection method: clinical testing. Allele origin: germline. Affected: yes.
Comment: The G337E variant in the CIC gene has not been reported previously as a pathogenic variant, nor as a benign variant, to our knowledge. The G337E variant is not observed in large population cohorts (Lek et al., 2016; 1000 Genomes Consortium et al., 2015; Exome Variant Server). The G337E variant is a non-conservative amino acid substitution, which is likely to impact secondary protein structure as these residues differ in polarity, charge, size and/or other properties. This substitution occurs at a position where amino acids with similar properties to Glycine are tolerated across species. In silico analysis is inconsistent in its predictions as to whether or not the variant is damaging to the protein structure/function. We interpret G337E as a variant of uncertain significance.